The following is an entry in ClinVar:

ClinVar aggregate classification (germline): Uncertain significance (1 of 4 stars; one submission).

Submission:

GeneDx
Classification: Uncertain significance. Last evaluated: 2025-08-01. Review status: criteria provided, single submitter. Criteria: GeneDx Variant Classification Process June 2021. Collection method: clinical testing. Allele origin: germline. Affected: yes.
Comment: Not observed at significant frequency in large population cohorts (gnomAD); Intronic +5 splice site variant in a gene for which loss of function is a known mechanism of disease, and both splice predictors and evolutionary conservation support a deleterious effect, although in the absence of functional evidence the actual effect of this sequence change is unknown.; Has not been previously published as pathogenic or benign to our knowledge

NM_001127222.2(CACNA1A):c.1913+5G>A

Gene: CACNA1A (calcium voltage-gated channel subunit alpha1 A; minus strand). Cytogenetic location: 19p13.13.
Variant type: single nucleotide variant.
Coding change: c.1913+5G>A on transcript NM_001127222.2 (MANE Select); 5 bases into the intron after coding-DNA position 1913, G replaced by A.
Molecular consequence: intron variant.
Genome position (GRCh38, 1-based): chr19:13,308,115, C>T on the plus strand (G>A on the coding strand, the complement: CACNA1A is on the minus strand). VCF-style: chr19-13308115-C-T. GRCh37 (hg19) VCF-style: chr19-13418929-C-T.
Other names: c.1916+5G>A (NM_001127221.2, NM_001174080.2, NM_000068.4 and 1 more transcripts).
Identifiers: ClinVar variation 4690109 (VCV004690109.1).